The following is an entry in ClinVar:

ClinVar aggregate classification (germline): Benign/Likely benign. Review status: criteria provided, multiple submitters, no conflicts (2 of 4 stars). 3 submissions from 3 submitters: Benign (1); Likely benign (2). Last evaluated 2025-10-22.

Conditions:
Hereditary cancer-predisposing syndrome. Also called: Hereditary neoplastic syndrome; Tumor predisposition; Hereditary Cancer Syndrome; Neoplastic Syndromes, Hereditary. Identifiers: Orphanet 140162, MedGen C0027672, MeSH D009386, MONDO:0015356.

Submissions (3):

Mayo Clinic Laboratories, Mayo Clinic
Classification: Likely benign. Last evaluated: 2025-10-22. Review status: criteria provided, single submitter. Criteria: ACMG Guidelines, 2015. Collection method: clinical testing. Allele origin: germline. Observed: 1 variant allele.
Comment: BS1_supporting, BP4, BP7

Center for Genomic Medicine, Rigshospitalet, Copenhagen University Hospital
Classification: Benign. Last evaluated: 2025-03-04. Review status: criteria provided, single submitter. Criteria: ACMG Guidelines, 2015. Collection method: clinical testing. Allele origin: germline.

Color Diagnostics, LLC DBA Color Health
Classification: Likely benign for Hereditary cancer-predisposing syndrome. Last evaluated: 2016-05-10. Review status: criteria provided, single submitter. Criteria: ACMG Guidelines, 2015. Collection method: clinical testing. Allele origin: germline.

NM_000059.4(BRCA2):c.9256+28del

Gene: BRCA2 (BRCA2 DNA repair associated; plus strand). Cytogenetic location: 13q13.1.
Variant type: Deletion.
Coding change: c.9256+28del on transcript NM_000059.4 (MANE Select); 28 bases into the intron after coding-DNA position 9256, one base deleted (T; older notation c.9256+28delT).
Molecular consequence: intron variant.
Genome position (GRCh38, 1-based): chr13:32,380,173, T deleted; the last of 8 consecutive T bases (chr13:32,380,166-32,380,173); deleting any one gives the same sequence. VCF-style (leftmost placement, unchanged base first): chr13-32380165-AT-A. GRCh37 (hg19) VCF-style: chr13-32954302-AT-A.
Other names: p.?; c.9256+28del (NM_000059.3); c.9256+28delT (NM_000059.4); c.9256+21delT (NM_000059.3).
Identifiers: ClinVar variation 491372 (VCV000491372.6), dbSNP rs751714705, ClinGen allele CA6941359.